The following is an entry in ClinVar:

NM_138694.4(PKHD1):c.9044T>G (p.Ile3015Ser)

Gene: PKHD1 (PKHD1 ciliary IPT domain containing fibrocystin/polyductin; minus strand). Cytogenetic location: 6p12.3.
Variant type: single nucleotide variant.
Coding change: c.9044T>G on transcript NM_138694.4 (MANE Select); coding-DNA position 9044, T replaced by G.
Protein change: p.Ile3015Ser; replaces isoleucine 3015 with serine.
Molecular consequence: missense variant.
Genome position (GRCh38, 1-based): chr6:51,748,572, A>C on the plus strand (T>G on the coding strand, the complement: PKHD1 is on the minus strand). VCF-style: chr6-51748572-A-C. GRCh37 (hg19) VCF-style: chr6-51613370-A-C.
Other names: c.9044T>G, p.Ile3015Ser (NM_170724.3); c.9044T>G (NM_138694.3); short protein forms I3015S.
Identifiers: ClinVar variation 1362666 (VCV001362666.9), dbSNP rs2150987139, ClinGen allele CA364424089.

ClinVar aggregate classification (germline): Uncertain significance. Review status: criteria provided, single submitter (1 of 4 stars). 2 submissions from 2 submitters: Uncertain significance (1). 1 of the submissions does not count toward it. Last evaluated 2022-06-20.

Conditions:
Autosomal recessive polycystic kidney disease (ARPKD). Also called: AR polycystic kidney disease. Identifiers: Orphanet 731, Orphanet 8378, MedGen C0085548, MeSH D017044, MONDO:0009889.

Submissions (2):

Labcorp Genetics (formerly Invitae), Labcorp
Classification: Uncertain significance for Autosomal recessive polycystic kidney disease. Last evaluated: 2022-06-20. Review status: criteria provided, single submitter. Criteria: Invitae Variant Classification Sherloc (09022015). Collection method: clinical testing. Allele origin: germline.
Comment: In summary, the available evidence is currently insufficient to determine the role of this variant in disease. Therefore, it has been classified as a Variant of Uncertain Significance. Advanced modeling of protein sequence and biophysical properties (such as structural, functional, and spatial information, amino acid conservation, physicochemical variation, residue mobility, and thermodynamic stability) performed at Invitae indicates that this missense variant is expected to disrupt PKHD1 protein function. This variant has not been reported in the literature in individuals affected with PKHD1-related conditions. This variant is not present in population databases (gnomAD no frequency). This sequence change replaces isoleucine, which is neutral and non-polar, with serine, which is neutral and polar, at codon 3015 of the PKHD1 protein (p.Ile3015Ser).

Natera, Inc.
Classification: Uncertain significance for Autosomal recessive polycystic kidney disease. Last evaluated: 2025-02-26. Review status: no assertion criteria provided. Collection method: clinical testing. Allele origin: germline. Not counted in ClinVar's aggregate classification.